The following continues an entry in ClinVar:

NM_001042492.3(NF1):c.3721C>T (p.Arg1241Ter)

Gene: NF1. ClinVar aggregate classification (germline): Pathogenic. Pathogenic (24). ClinVar aggregate classification (oncogenicity): Likely oncogenic.

Submissions 13 to 31 of 31:

Victorian Clinical Genetics Services, Murdoch Childrens Research Institute
Classification: Pathogenic for Neurofibromatosis, type 1. Last evaluated: 2023-07-16. Review status: criteria provided, single submitter. Criteria: ACMG Guidelines, 2015. Collection method: clinical testing. Allele origin: germline. Inheritance: Autosomal dominant inheritance. Affected: yes.
Comment: Based on the classification scheme VCGS_Germline_v1.3.4, this variant is classified as Pathogenic. Following criteria are met: 0102 - Loss of function is a known mechanism of disease in this gene and is associated juvenile myelomonocytic leukemia (MIM#607785), familial spinal neurofibromatosis (MIM#162210), neurofibromatosis type 1 (MIM#162200), neurofibromatosis-Noonan syndrome (MIM#601321) and Watson syndrome (MIM#193520). (I) 0107 - This gene is associated with autosomal dominant disease. (I) 0115 - Variants in this gene are known to have variable expressivity. Disease manifestation can be extremely variable, even within a family (GeneReviews). (I) 0201 - Variant is predicted to cause nonsense-mediated decay (NMD) and loss of protein (premature termination codon is located at least 54 nucleotides upstream of the final exon-exon junction). (SP) 0251 - This variant is heterozygous. (I) 0301 - Variant is absent from gnomAD (both v2 and v3). (SP) 0701 - Other null variants comparable to the one identified in this case have very strong previous evidence for pathogenicity. Other NMD-predicted variants have been classified as likely pathogenic or pathogenic (DECIPHER). (SP) 0801 - This variant has very strong previous evidence of pathogenicity in unrelated individuals. This variant has been classified as pathogenic by multiple clinical diagnostic laboratories and has been reported in multiple unrelated individuals with neurofibromatosis type 1 (ClinVar; PMIDs: 16835897, 33919865). (SP) 1208 - Inheritance information for this variant is not currently available in this individual. (I) Legend: (SP) - Supporting pathogenic, (I) - Information, (SB) - Supporting benign

Baylor Genetics
Classification: Pathogenic for Juvenile myelomonocytic leukemia. Last evaluated: 2023-05-24. Review status: criteria provided, single submitter. Criteria: ACMG Guidelines, 2015. Collection method: clinical testing. Allele origin: unknown.

GeneDx
Classification: Pathogenic. Last evaluated: 2022-07-05. Review status: criteria provided, single submitter. Criteria: GeneDx Variant Classification Process June 2021. Collection method: clinical testing. Allele origin: germline. Affected: yes.
Comment: Nonsense variant predicted to result in protein truncation or nonsense mediated decay in a gene for which loss-of-function is a known mechanism of disease; Not observed at significant frequency in large population cohorts (gnomAD); This variant is associated with the following publications: (PMID: 25049327, 28152038, 22962301, 29620724, 25525159, 12483293, 27236105, 24931142, 31730495, 31717729, 25624686, 10712197, 30530636, 17889038, 26230854, 15060124, 29089047, 16835897, 23668869)

Mayo Clinic Laboratories, Mayo Clinic
Classification: Pathogenic. Last evaluated: 2022-04-28. Review status: criteria provided, single submitter. Criteria: ACMG Guidelines, 2015. Collection method: clinical testing. Allele origin: germline. Observed: 4 variant alleles.
Comment: PP4, PM2, PM6, PS4_moderate, PVS1

Genome-Nilou Lab
Classification: Pathogenic for Neurofibromatosis, type 1. Last evaluated: 2022-03-15. Review status: criteria provided, single submitter. Criteria: ACMG Guidelines, 2015. Collection method: clinical testing. Allele origin: germline. Affected: no.

Genome Diagnostics Laboratory, The Hospital for Sick Children
Classification: Pathogenic for Neurofibromatosis, type 1. Last evaluated: 2020-10-26. Review status: criteria provided, single submitter. Criteria: ACMG Guidelines, 2015. Collection method: clinical testing. Allele origin: germline. Affected: yes.

Medical Genetics, University of Parma
Classification: Pathogenic for Neurofibromatosis, type 1. Last evaluated: 2019-12-20. Review status: criteria provided, single submitter. Criteria: ACMG Guidelines, 2015. Collection method: clinical testing. Allele origin: germline. Affected: yes.

Baylor Genetics
Classification: Pathogenic for Neurofibromatosis, type 1. Last evaluated: 2019-11-14. Review status: criteria provided, single submitter. Criteria: ACMG Guidelines, 2015. Collection method: clinical testing. Allele origin: unknown. Affected: yes.
Comment: This variant was determined to be pathogenic according to ACMG Guidelines, 2015 [PMID:25741868]. This variant has been previously reported as disease-causing by following sources [PMID: 10712197, 28152038, 25525159, 25624686, 17889038, 29620724, 29089047, 12483293, ClinVar ID: 361]

Institute of Human Genetics Munich, TUM University Hospital
Classification: Pathogenic for Neurofibromatosis, type 1. Last evaluated: 2019-05-08. Review status: criteria provided, single submitter. Criteria: Classification criteria August 2017. Collection method: clinical testing. Allele origin: paternal. Inheritance: Autosomal dominant inheritance. Affected: yes. Observed: 1 heterozygote.

Revvity Omics, Revvity
Classification: Pathogenic. Last evaluated: 2019-03-20. Review status: criteria provided, single submitter. Criteria: ACMG Guidelines, 2015. Collection method: clinical testing. Allele origin: germline.

Ambry Genetics
Classification: Pathogenic for Inborn genetic diseases. Last evaluated: 2014-06-06. Review status: criteria provided, single submitter. Criteria: Ambry exome assertion method (8-5-2015). Collection method: clinical testing. Allele origin: germline. Affected: yes. Observed: 2 variant alleles.

Clinical Genetics Service, Universitary Hospital 12 de Octubre
Classification: Pathogenic for Neurofibromatosis, type 1. Review status: criteria provided, single submitter. Criteria: ACMG Guidelines, 2015. Collection method: clinical testing. Allele origin: germline. Affected: yes.

Juno Genomics, Hangzhou Juno Genomics, Inc
Classification: Pathogenic for Neurofibromatosis, type 1. Review status: criteria provided, single submitter. Criteria: ACMG Guidelines, 2015. Collection method: clinical testing. Allele origin: germline. Affected: yes.
Comment: Null variant in a gene where loss of function (LOF) is a known mechanism of disease.;Absent from controls (or at extremely low frequency if recessive) in Genome Aggregation Database, Exome Sequencing Project, 1000 Genomes Project, or Exome Aggregation Consortium.;The prevalence of the variant in affected individuals is significantly increased compared to the prevalence in controls.;De novo (both maternity and paternity confirmed) in a patient with the disease and no family history.

PreventionGenetics, part of Exact Sciences
Classification: Pathogenic for NF1-related condition. Last evaluated: 2024-08-27. Review status: no assertion criteria provided. Collection method: clinical testing. Allele origin: germline. Not counted in ClinVar's aggregate classification.
Comment: The NF1 c.3721C>T variant is predicted to result in premature protein termination (p.Arg1241*). This variant has been reported in multiple individuals with neurofibromatosis type 1 (see for example - Fahsold et al. 2000. PubMed ID: 10712197; Frayling et al. 2018. PubMed ID: 30530636). This variant has not been reported in a large population database, indicating this variant is rare. This variant has been consistently interpreted as pathogenic in ClinVar. Nonsense variants in NF1 are expected to be pathogenic. This variant is interpreted as pathogenic.

Clinical Molecular Genetics Laboratory, Johns Hopkins All Children's Hospital
Classification: Pathogenic for Neurofibromatosis, type 1. Last evaluated: 2015-01-21. Review status: no assertion criteria provided. Collection method: clinical testing. Allele origin: germline. Affected: yes. Not counted in ClinVar's aggregate classification.

OMIM
Classification: Pathogenic for NEUROFIBROMATOSIS, TYPE I. Last evaluated: 2003-01-01. Review status: no assertion criteria provided. Collection method: literature only. Allele origin: germline. Not counted in ClinVar's aggregate classification.

Clinical Genetics DNA and cytogenetics Diagnostics Lab, Erasmus MC, Erasmus Medical Center
Classification: Pathogenic. Review status: no assertion criteria provided. Collection method: clinical testing. Allele origin: germline. Affected: yes. Study: VKGL Data-share Consensus. Not counted in ClinVar's aggregate classification.

Diagnostic Laboratory, Department of Genetics, University Medical Center Groningen
Classification: Pathogenic. Review status: no assertion criteria provided. Collection method: clinical testing. Allele origin: germline. Affected: yes. Study: VKGL Data-share Consensus. Not counted in ClinVar's aggregate classification.

Division of Human Genetics, National Health Laboratory Service/University of the Witwatersrand
Classification: Pathogenic for Neurofibromatosis, type 1. Review status: no assertion criteria provided. Collection method: research. Allele origin: unknown. Affected: yes. Observed: 1 variant allele. Not counted in ClinVar's aggregate classification.

Literature cited by the submitters: PubMed 10712197 (cited by 7 submitters); PubMed 23913538 (cited by Labcorp Genetics (formerly Invitae), Labcorp); PubMed 12483293 (cited by 5 submitters); PubMed 16835897 (cited by 4 submitters); PubMed 23668869 (cited by 5 submitters); PubMed 25624686 (cited by 6 submitters); PubMed 32098826 (cited by Center for Genomic Medicine, Rigshospitalet, Copenhagen University Hospital); PubMed 33919865 (cited by 3 submitters); PubMed 10678181 (cited by Women's Health and Genetics/Laboratory Corporation of America, LabCorp); PubMed 23460398 (cited by Women's Health and Genetics/Laboratory Corporation of America, LabCorp); PubMed 29872168 (cited by Women's Health and Genetics/Laboratory Corporation of America, LabCorp); PubMed 29620724 (cited by 3 submitters); PubMed 27069254 (cited by Women's Health and Genetics/Laboratory Corporation of America, LabCorp); PubMed 37073110 (cited by Quest Diagnostics Nichols Institute San Juan Capistrano); PubMed 33877690 (cited by Quest Diagnostics Nichols Institute San Juan Capistrano); PubMed 30530636 (cited by Quest Diagnostics Nichols Institute San Juan Capistrano); PubMed 15060124 (cited by Quest Diagnostics Nichols Institute San Juan Capistrano); PubMed 17889038 (cited by 3 submitters); PubMed 17914445 (cited by Quest Diagnostics Nichols Institute San Juan Capistrano); PubMed 22108604 (cited by Quest Diagnostics Nichols Institute San Juan Capistrano); PubMed 31730495 (cited by Illumina Laboratory Services, Illumina); PubMed 34080803 (cited by Illumina Laboratory Services, Illumina); PubMed 34427956 (cited by Illumina Laboratory Services, Illumina); PubMed 28152038 (cited by Baylor Genetics); PubMed 25525159 (cited by Baylor Genetics); PubMed 29089047 (cited by Baylor Genetics); PubMed 26969325 (cited by Ambry Genetics).